The following is an entry in ClinVar:

ClinVar aggregate classification (germline): Pathogenic (1 of 4 stars; one submission).

Conditions:
Junctional epidermolysis bullosa. Identifiers: Orphanet 305, MedGen C0079301, MONDO:0017612.

Submission:

Women's Health and Genetics/Laboratory Corporation of America, LabCorp
Classification: Pathogenic for Junctional epidermolysis bullosa. Last evaluated: 2024-11-05. Review status: criteria provided, single submitter. Criteria: LabCorp Variant Classification Summary - May 2015. Collection method: clinical testing. Allele origin: germline.
Comment: Variant summary: LAMC2 c.382dupT (p.Cys128LeufsX13) results in a premature termination codon, predicted to cause absence of the protein due to nonsense mediated decay, which is a commonly known mechanism for disease. The variant was absent in 251458 control chromosomes. c.382dupT has been reported in the literature in at-least one individual affected with Junctional Epidermolysis Bullosa (example, JEON_2014). To our knowledge, no experimental evidence demonstrating an impact on protein function has been reported. The following publication has been ascertained in the context of this evaluation (PMID: 24533970). No submitters have cited clinical-significance assessments for this variant to ClinVar. Based on the evidence outlined above, the variant was classified as pathogenic.

Literature cited by the submitters: PubMed 24533970.

NM_005562.3(LAMC2):c.382dup (p.Cys128fs)

Gene: LAMC2 (laminin subunit gamma 2; plus strand). Cytogenetic location: 1q25.3.
Variant type: Duplication.
Coding change: c.382dup on transcript NM_005562.3 (MANE Select); coding-DNA position 382, one base duplicated (T; older notation c.382dupT).
Protein change: p.Cys128fs; shifts the reading frame from cysteine 128.
Molecular consequence: frameshift variant.
Genome position (GRCh38, 1-based): chr1:183,215,566, T duplicated. VCF-style (leftmost placement, unchanged base first): chr1-183215565-G-GT. GRCh37 (hg19) VCF-style: chr1-183184700-G-GT.
Other names: c.382dup, p.Cys128fs (NM_018891.3); c.382dupT (NM_005562.3); short protein forms C128fs.
Identifiers: ClinVar variation 3629821 (VCV003629821.1).